The following is an entry in ClinVar:

ClinVar aggregate classification (germline): not provided (0 of 4 stars; one submission).

Conditions:
Normal pregnancy. Identifiers: MedGen C0232989.

Submission:

Institute of Molecular and Cell Biology, University of Tartu
No classification provided. Condition: Normal pregnancy. Review status: no classification provided. Collection method: case-control. Allele origin: unknown. Affected: yes. Study: Kasak2014.
Comment: The study aimed to determine the contribution of copy number variants in the genetic etiology of normal and complicated pregnancies. The samples represented (i) maternal blood DNA drawn from healthy pregnant women during 1st or 2nd trimester and (ii) maternal and paternal blood DNA drawn at term pregnancy cases representing normal and complicated gestations (severe preeclampsia, PE; gestational diabetes, GD; small-for-gestational age newborn, SGA; large-for-gestational age newborn, LGA). We performed CNV calling based on genome-wide genotyping dataset (Illumina HumanOmniExpress-24-v1 BeadChip) by applying three algorithms, QuantiSNP, GADA (Genome Alteration Detection Algorithm) and CNstream in parallel. The acquired CNV calls were merged with HD-CNV (Hotspot Detector for Copy Number Variants) program and only the CNVs predicted by at least two programs, were considered in subsequent analysis.

Literature cited by the submitters: PubMed 25666259.

NM_005235.2(ERBB4):c.83-200864_83-199104del

Gene: ERBB4 (erb-b2 receptor tyrosine kinase 4; minus strand). Cytogenetic location: 2q34.
Variant type: Deletion.
Coding change: c.83-200864_83-199104del on transcript NM_005235.2; 200864 bases into the intron before coding-DNA position 83 through 199104 bases into the intron before coding-DNA position 83, this stretch deleted.
Other names: c.83-200864_83-199104del (NM_001042599.1).
Identifiers: ClinVar variation 156821 (VCV000156821.4).